The following is an entry in ClinVar:

ClinVar aggregate classification (germline): Likely benign (0 of 4 stars; one submission).

Conditions:
OTUD1-related disorder. Also called: OTUD1-related condition.

Allele frequency attached by ClinVar (database versions not stated): TOPMed 0.00004; gnomAD 0.00005.
gnomAD v4.1: 47 of 1,551,664 alleles (0.003%); highest among the groups gnomAD compares: African/African-American, 0.0082%; no homozygotes.

Submission:

PreventionGenetics, part of Exact Sciences
Classification: Likely benign for OTUD1-related condition. Last evaluated: 2019-04-01. Review status: no assertion criteria provided. Collection method: clinical testing. Allele origin: germline.
Comment: This variant is classified as likely benign based on ACMG/AMP sequence variant interpretation guidelines (Richards et al. 2015 PMID: 25741868, with internal and published modifications).

NM_001145373.3(OTUD1):c.1407C>T (p.Ser469=)

Gene: OTUD1 (OTU deubiquitinase 1; plus strand). Cytogenetic location: 10p12.2.
Variant type: single nucleotide variant.
Coding change: c.1407C>T on transcript NM_001145373.3 (MANE Select); coding-DNA position 1407, C replaced by T.
Protein change: p.Ser469=; no amino-acid change (serine 469 retained).
Molecular consequence: synonymous variant.
Genome position (GRCh38, 1-based): chr10:23,440,864, C>T. VCF-style: chr10-23440864-C-T. GRCh37 (hg19) VCF-style: chr10-23729793-C-T.
Identifiers: ClinVar variation 3058311 (VCV003058311.2), dbSNP rs1029302545, ClinGen allele CA204763401.